The following is an entry in ClinVar:

ClinVar aggregate classification (germline): Uncertain significance (1 of 4 stars; one submission).

Conditions:
Duane-radial ray syndrome (DRRS). Also called: ACRORENOOCULAR SYNDROME; DR SYNDROME; DUANE ANOMALY WITH RADIAL RAY ABNORMALITIES AND DEAFNESS; Okihiro Syndrome; Duane-Radial Ray Syndrome/Okihiro Syndrome; Duane-Radial Ray Syndrome (DRRS) / Okihiro Syndrome. Identifiers: Orphanet 93293, Orphanet 959, MedGen C1623209, MONDO:0011812, OMIM 607323. Disease mechanism: gain of function.

Submission:

Labcorp Genetics (formerly Invitae), Labcorp
Classification: Uncertain significance for Duane-radial ray syndrome. Last evaluated: 2023-10-15. Review status: criteria provided, single submitter. Criteria: Invitae Variant Classification Sherloc (09022015). Collection method: clinical testing. Allele origin: germline.
Comment: This sequence change replaces glycine, which is neutral and non-polar, with tryptophan, which is neutral and slightly polar, at codon 545 of the SALL4 protein (p.Gly545Trp). This variant is not present in population databases (gnomAD no frequency). This variant has not been reported in the literature in individuals affected with SALL4-related conditions. An algorithm developed to predict the effect of missense changes on protein structure and function (PolyPhen-2) suggests that this variant is likely to be disruptive. In summary, the available evidence is currently insufficient to determine the role of this variant in disease. Therefore, it has been classified as a Variant of Uncertain Significance.

NM_020436.5(SALL4):c.1633G>T (p.Gly545Trp)

Gene: SALL4 (spalt like transcription factor 4; minus strand). Cytogenetic location: 20q13.2.
Variant type: single nucleotide variant.
Coding change: c.1633G>T on transcript NM_020436.5 (MANE Select); coding-DNA position 1633, G replaced by T.
Protein change: p.Gly545Trp; replaces glycine 545 with tryptophan.
Molecular consequence: missense variant. On other transcripts: intron variant (1).
Genome position (GRCh38, 1-based): chr20:51,790,850, C>A on the plus strand (G>T on the coding strand, the complement: SALL4 is on the minus strand). VCF-style: chr20-51790850-C-A. GRCh37 (hg19) VCF-style: chr20-50407389-C-A.
Other names: c.1150+483G>T (NM_001318031.2); short protein forms G545W.
Identifiers: ClinVar variation 2751725 (VCV002751725.3), dbSNP rs2515716063, ClinGen allele CA409009728.